The following is an entry in ClinVar:

NM_032119.4(ADGRV1):c.6232C>A (p.Leu2078Ile)

Gene: ADGRV1 (adhesion G protein-coupled receptor V1; plus strand). Cytogenetic location: 5q14.3.
Variant type: single nucleotide variant.
Coding change: c.6232C>A on transcript NM_032119.4 (MANE Select); coding-DNA position 6232, C replaced by A.
Protein change: p.Leu2078Ile; replaces leucine 2078 with isoleucine.
Molecular consequence: missense variant. On other transcripts: non-coding transcript variant (1).
Genome position (GRCh38, 1-based): chr5:90,684,153, C>A. VCF-style: chr5-90684153-C-A. GRCh37 (hg19) VCF-style: chr5-89979970-C-A.
Other names: short protein forms L2078I.
Identifiers: ClinVar variation 1002053 (VCV001002053.8), dbSNP rs1236671098, ClinGen allele CA360414416.
Genomic context (GRCh38, chr5:90,684,153, plus strand): 5'-ATAGCTATTTCAATTTTGGATGATGATGAGCCAGAAAGGTCCGAATCTGTCTTTATCGAA[C>A]TACTCAACTCTACTTTAGTAGCGAAAGTACAGAGTCGTTCAAGTAAGTATCCCTTAGTGT-3'
Protein context (NP_115495.3, residues 2068-2088): PERSESVFIE[Leu2078Ile]LNSTLVAKVQ

ClinVar aggregate classification (germline): Uncertain significance (1 of 4 stars; one submission).

gnomAD v4.1: 2 of 1,613,436 alleles (0.00012%); highest among the groups gnomAD compares: African/African-American, 0.0013%; no homozygotes.

Submission:

Labcorp Genetics (formerly Invitae), Labcorp
Classification: Uncertain significance. Last evaluated: 2022-08-23. Review status: criteria provided, single submitter. Criteria: Invitae Variant Classification Sherloc (09022015). Collection method: clinical testing. Allele origin: germline.
Comment: This sequence change replaces leucine, which is neutral and non-polar, with isoleucine, which is neutral and non-polar, at codon 2078 of the ADGRV1 protein (p.Leu2078Ile). This variant is not present in population databases (gnomAD no frequency). In summary, the available evidence is currently insufficient to determine the role of this variant in disease. Therefore, it has been classified as a Variant of Uncertain Significance. Algorithms developed to predict the effect of missense changes on protein structure and function are either unavailable or do not agree on the potential impact of this missense change (SIFT: "Deleterious"; PolyPhen-2: "Probably Damaging"; Align-GVGD: "Class C0"). ClinVar contains an entry for this variant (Variation ID: 1002053). This missense change has been observed in individual(s) with clinical features of ADGRV1-related conditions (Invitae).